The following is an entry in ClinVar:

NM_000038.6(APC):c.63A>G (p.Ser21=)

Gene: APC (APC regulator of Wnt signaling pathway; plus strand). Cytogenetic location: 5q22.2.
Variant type: single nucleotide variant.
Coding change: c.63A>G on transcript NM_000038.6 (MANE Select); coding-DNA position 63, A replaced by G.
Protein change: p.Ser21=; no amino-acid change (serine 21 retained).
Molecular consequence: synonymous variant. On other transcripts: 5 prime UTR variant (4), non-coding transcript variant (2), intron variant (11).
Genome position (GRCh38, 1-based): chr5:112,754,953, A>G. VCF-style: chr5-112754953-A-G. GRCh37 (hg19) VCF-style: chr5-112090650-A-G.
Other names: c.63A>G, p.Ser21= (NM_001127510.3, NM_001354895.2, NM_001354896.2 and 16 more transcripts); c.-973A>G (NM_001354906.2, NM_001407470.1, NM_001407471.1 and 1 more transcripts); c.166-11373A>G (NM_001407446.1, NM_001354897.2, NM_001354902.2 and 1 more transcripts); c.-42-11373A>G (NM_001407453.1, NM_001354900.2, NM_001354901.2 and 1 more transcripts); c.61-11373A>G (NM_001407451.1, NM_001354898.2, NM_001354904.2).
Identifiers: ClinVar variation 3148819 (VCV003148819.1), dbSNP rs2149737991, ClinGen allele CA445752436.

ClinVar aggregate classification (germline): Benign (1 of 4 stars; one submission).

Conditions:
Familial adenomatous polyposis 1 (FAP1). Also called: POLYPOSIS, ADENOMATOUS INTESTINAL; FAMILIAL ADENOMATOUS POLYPOSIS 1, ATTENUATED. Identifiers: MedGen C2713442, MONDO:0021056, OMIM 175100. Disease mechanism: loss of function.

Submission:

Myriad Genetics, Inc.
Classification: Benign for Familial adenomatous polyposis 1. Last evaluated: 2024-02-22. Review status: criteria provided, single submitter. Criteria: Myriad Autosomal Dominant, Autosomal Recessive and X-Linked Classification Criteria (2023). Collection method: clinical testing. Allele origin: unknown.
Comment: This variant is considered benign. This variant is a silent/synonymous amino acid change and it is not expected to impact splicing.